The following is an entry in ClinVar:

NM_000693.4(ALDH1A3):c.834G>A (p.Thr278=)

Genes: ALDH1A3 (aldehyde dehydrogenase 1 family member A3; plus strand), ALDH1A3-AS1 (ALDH1A3 antisense RNA 1; minus strand). Cytogenetic location: 15q26.3.
Variant type: single nucleotide variant.
Coding change: c.834G>A on transcript NM_000693.4 (MANE Select); coding-DNA position 834, G replaced by A.
Protein change: p.Thr278=; no amino-acid change (threonine 278 retained).
Molecular consequence: synonymous variant.
Genome position (GRCh38, 1-based): chr15:100,898,136, G>A. VCF-style: chr15-100898136-G-A. GRCh37 (hg19) VCF-style: chr15-101438341-G-A.
Other names: c.513G>A, p.Thr171= (NM_001293815.2).
Identifiers: ClinVar variation 718194 (VCV000718194.9), dbSNP rs751008211, ClinGen allele CA7760218.

ClinVar aggregate classification (germline): Likely benign. Review status: criteria provided, multiple submitters, no conflicts (2 of 4 stars). 2 submissions from 2 submitters: Likely benign (2). Last evaluated 2025-11-01.

Allele frequency attached by ClinVar (database versions not stated): TOPMed 0.00001; gnomAD 0.00003; gnomAD exomes 0.00005 and 0.00011; ExAC 0.00007.
gnomAD v4.1: 77 of 1,614,034 alleles (0.0048%); highest among the groups gnomAD compares: South Asian, 0.053%; no homozygotes.

Submissions (2):

CeGaT Center for Human Genetics Tuebingen
Classification: Likely benign. Last evaluated: 2025-11-01. Review status: criteria provided, single submitter. Criteria: CeGaT Center For Human Genetics Tuebingen Variant Classification Criteria Version 2. Collection method: clinical testing. Allele origin: germline. Affected: yes. Observed: 1 variant allele.
Comment: ALDH1A3: BP4, BP7

Labcorp Genetics (formerly Invitae), Labcorp
Classification: Likely benign. Last evaluated: 2018-06-04. Review status: criteria provided, single submitter. Criteria: Invitae Variant Classification Sherloc (09022015). Collection method: clinical testing. Allele origin: germline.